The following is an entry in ClinVar:

NM_198578.4(LRRK2):c.2218G>C (p.Glu740Gln)

Gene: LRRK2 (leucine rich repeat kinase 2; plus strand). Cytogenetic location: 12q12.
Variant type: single nucleotide variant.
Coding change: c.2218G>C on transcript NM_198578.4 (MANE Select); coding-DNA position 2218, G replaced by C.
Protein change: p.Glu740Gln; replaces glutamic acid 740 with glutamine.
Molecular consequence: missense variant.
Genome position (GRCh38, 1-based): chr12:40,278,238, G>C. VCF-style: chr12-40278238-G-C. GRCh37 (hg19) VCF-style: chr12-40672040-G-C.
Other names: short protein forms E740Q.
Identifiers: ClinVar variation 1787869 (VCV001787869.2), dbSNP rs2499639409, ClinGen allele CA384405287.
Genomic context (GRCh38, chr12:40,278,238, plus strand): 5'-AATAACAGCATCATGGTTGAATGCTTGCTTCTATTGGGAGCAGATGCCAATCAAGCAAAG[G>C]AGGGATCTTCTTTAATTTGTCAGGTAAATATTCAAGGCCTCACTTTTGTCTTTGCTCAGT-3'
Protein context (NP_940980.4, residues 730-750): LLGADANQAK[Glu740Gln]GSSLICQVCE

ClinVar aggregate classification (germline): Uncertain significance (1 of 4 stars; one submission).

Conditions:
Inborn genetic diseases. Identifiers: MedGen C0950123, MeSH D030342.

Submission:

Ambry Genetics
Classification: Uncertain significance for Inborn genetic diseases. Last evaluated: 2021-09-02. Review status: criteria provided, single submitter. Criteria: Ambry Variant Classification Scheme 2023. Collection method: clinical testing. Allele origin: germline.
Comment: The p.E740Q variant (also known as c.2218G>C), located in coding exon 18 of the LRRK2 gene, results from a G to C substitution at nucleotide position 2218. The glutamic acid at codon 740 is replaced by glutamine, an amino acid with highly similar properties. This amino acid position is conserved. In addition, this alteration is predicted to be tolerated by in silico analysis. Since supporting evidence is limited at this time, the clinical significance of this alteration remains unclear.